The following is an entry in ClinVar:

NM_001165963.4(SCN1A):c.874A>G (p.Ile292Val)

Gene: SCN1A (sodium voltage-gated channel alpha subunit 1; minus strand). Cytogenetic location: 2q24.3.
Variant type: single nucleotide variant.
Coding change: c.874A>G on transcript NM_001165963.4 (MANE Select); coding-DNA position 874, A replaced by G.
Protein change: p.Ile292Val; replaces isoleucine 292 with valine.
Molecular consequence: missense variant. On other transcripts: 5 prime UTR variant (1), non-coding transcript variant (1).
Genome position (GRCh38, 1-based): chr2:166,051,809, T>C on the plus strand (A>G on the coding strand, the complement: SCN1A is on the minus strand). VCF-style: chr2-166051809-T-C. GRCh37 (hg19) VCF-style: chr2-166908319-T-C.
Other names: c.874A>G, p.Ile292Val (NM_001165964.3, NM_001202435.3, NM_001353948.2 and 10 more transcripts); c.-1552A>G (NM_001353961.2); short protein forms I292V.
Identifiers: ClinVar variation 3383606 (VCV003383606.3).

ClinVar aggregate classification (germline): Conflicting classifications of pathogenicity. Review status: criteria provided, conflicting classifications (1 of 4 stars). 2 submissions from 2 submitters: Uncertain significance (1); Likely benign (1). Last evaluated 2024-05-30.

Conditions:
Early-infantile DEE. Also called: Ohtahara syndrome; Early infantile epileptic encephalopathy; Early infantile epileptic encephalopathy with suppression bursts. Identifiers: Orphanet 1934, MedGen C0393706, MONDO:0800491.

gnomAD v4.1: 5 of 1,612,240 alleles (0.00031%); highest among the groups gnomAD compares: Middle Eastern, 0.017%; no homozygotes.

Submissions (2):

GeneDx
Classification: Uncertain significance. Last evaluated: 2024-05-30. Review status: criteria provided, single submitter. Criteria: GeneDx Variant Classification Process June 2021. Collection method: clinical testing. Allele origin: germline. Affected: yes.
Comment: This substitution is predicted to be within the extracellular loop between the S5 and S6 transmembrane segments of the first homologous domain; In silico analysis indicates that this missense variant does not alter protein structure/function; Has not been previously published as pathogenic or benign to our knowledge

Labcorp Genetics (formerly Invitae), Labcorp
Classification: Likely benign for Early-infantile DEE. Last evaluated: 2024-04-03. Review status: criteria provided, single submitter. Criteria: Invitae Variant Classification Sherloc (09022015). Collection method: clinical testing. Allele origin: germline.